The following is an entry in ClinVar:

ClinVar aggregate classification (germline): Uncertain significance (0 of 4 stars; one submission).

Conditions:
MRTFB-related disorder. Also called: MRTFB related condition; MRTFB-Related Disorders.

gnomAD v4.1: 1 of 1,614,170 alleles (0.000062%); highest among the groups gnomAD compares: East Asian, 0.0022%; no homozygotes.

Submission:

PreventionGenetics, part of Exact Sciences
Classification: Uncertain significance for MRTFB-related condition. Last evaluated: 2023-11-21. Review status: no assertion criteria provided. Collection method: clinical testing. Allele origin: germline.
Comment: The MRTFB c.53A>T variant is predicted to result in the amino acid substitution p.His18Leu. To our knowledge, this variant has not been reported in the literature. This variant is reported in 0.0054% of alleles in individuals of East Asian descent in gnomAD. At this time, the clinical significance of this variant is uncertain due to the absence of conclusive functional and genetic evidence.

NM_001308142.2(MRTFB):c.53A>T (p.His18Leu)

Gene: MRTFB (myocardin related transcription factor B; plus strand). Cytogenetic location: 16p13.12.
Variant type: single nucleotide variant.
Coding change: c.53A>T on transcript NM_001308142.2 (MANE Select); coding-DNA position 53, A replaced by T.
Protein change: p.His18Leu; replaces histidine 18 with leucine.
Molecular consequence: missense variant.
Genome position (GRCh38, 1-based): chr16:14,140,659, A>T. VCF-style: chr16-14140659-A-T. GRCh37 (hg19) VCF-style: chr16-14234516-A-T.
Other names: c.53A>T, p.His18Leu (NM_001365412.2, NM_001365417.3, NM_001365418.3 and 4 more transcripts); short protein forms H18L.
Identifiers: ClinVar variation 3032078 (VCV003032078.2), dbSNP rs758203532, ClinGen allele CA7910851.